The following is an entry in ClinVar:

NM_002471.4(MYH6):c.4514A>G (p.Lys1505Arg)

Gene: MYH6 (myosin heavy chain 6; minus strand). Cytogenetic location: 14q11.2.
Variant type: single nucleotide variant.
Coding change: c.4514A>G on transcript NM_002471.4 (MANE Select); coding-DNA position 4514, A replaced by G.
Protein change: p.Lys1505Arg; replaces lysine 1505 with arginine.
Molecular consequence: missense variant.
Genome position (GRCh38, 1-based): chr14:23,387,769, T>C on the plus strand (A>G on the coding strand, the complement: MYH6 is on the minus strand). VCF-style: chr14-23387769-T-C. GRCh37 (hg19) VCF-style: chr14-23856978-T-C.
Other names: short protein forms K1505R.
Identifiers: ClinVar variation 2695273 (VCV002695273.4), dbSNP rs1891078635, ClinGen allele CA388996928.
Genomic context (GRCh38, chr14:23,387,769, plus strand): 5'-GCCCTCCCTCCCACCAACTCATCTCTGGCCTCTTGGACCCCCAGCACACCCTGAAGGTTC[T>C]TGTTCTCCCGCTTGAAGGTCTCTAGGTGCTCCAGGGACTCCTCGTAGGCGTTCTTGAGCT-3'
Protein context (NP_002462.2, residues 1495-1515): EHLETFKREN[Lys1505Arg]NLQEEISDLT

ClinVar aggregate classification (germline): Uncertain significance. Review status: criteria provided, multiple submitters, no conflicts (2 of 4 stars). 2 submissions from 2 submitters: Uncertain significance (2). Last evaluated 2025-06-22.

Conditions:
Hypertrophic cardiomyopathy 14. Identifiers: MedGen C2750467, MONDO:0013197, OMIM 613251.
Cardiovascular phenotype. Identifiers: MedGen CN230736.

Allele frequency attached by ClinVar (database versions not stated): gnomAD 0.00001; TOPMed 0.00002.
gnomAD v4.1: 2 of 1,613,944 alleles (0.00012%); highest among the groups gnomAD compares: Admixed American, 0.0033%; no homozygotes.

Submissions (2):

Ambry Genetics
Classification: Uncertain significance for Cardiovascular phenotype. Last evaluated: 2025-06-22. Review status: criteria provided, single submitter. Criteria: Ambry Variant Classification Scheme 2023. Collection method: clinical testing. Allele origin: germline.
Comment: The p.K1505R variant (also known as c.4514A>G), located in coding exon 29 of the MYH6 gene, results from an A to G substitution at nucleotide position 4514. The lysine at codon 1505 is replaced by arginine, an amino acid with highly similar properties. This amino acid position is conserved. In addition, the in silico prediction for this alteration is inconclusive. Based on the available evidence, the clinical significance of this variant remains unclear.

Labcorp Genetics (formerly Invitae), Labcorp
Classification: Uncertain significance for Hypertrophic cardiomyopathy 14. Last evaluated: 2023-09-30. Review status: criteria provided, single submitter. Criteria: Invitae Variant Classification Sherloc (09022015). Collection method: clinical testing. Allele origin: germline.
Comment: This sequence change replaces lysine, which is basic and polar, with arginine, which is basic and polar, at codon 1505 of the MYH6 protein (p.Lys1505Arg). This variant is not present in population databases (gnomAD no frequency). In summary, the available evidence is currently insufficient to determine the role of this variant in disease. Therefore, it has been classified as a Variant of Uncertain Significance. Advanced modeling of protein sequence and biophysical properties (such as structural, functional, and spatial information, amino acid conservation, physicochemical variation, residue mobility, and thermodynamic stability) performed at Invitae indicates that this missense variant is not expected to disrupt MYH6 protein function. This variant has not been reported in the literature in individuals affected with MYH6-related conditions.